The following is an entry in ClinVar:

NM_006218.4(PIK3CA):c.40C>T (p.His14Tyr)

Gene: PIK3CA (phosphatidylinositol-4,5-bisphosphate 3-kinase catalytic subunit alpha; plus strand). Cytogenetic location: 3q26.32.
Variant type: single nucleotide variant.
Coding change: c.40C>T on transcript NM_006218.4 (MANE Select); coding-DNA position 40, C replaced by T.
Protein change: p.His14Tyr; replaces histidine 14 with tyrosine.
Molecular consequence: missense variant.
Genome position (GRCh38, 1-based): chr3:179,198,865, C>T. VCF-style: chr3-179198865-C-T. GRCh37 (hg19) VCF-style: chr3-178916653-C-T.
Other names: c.40C>T (LRG_310t1); short protein forms H14Y.
Identifiers: ClinVar variation 650566 (VCV000650566.9), dbSNP rs1576931874, ClinGen allele CA355270487.

ClinVar aggregate classification (germline): Uncertain significance (1 of 4 stars; one submission).

Conditions:
Cowden syndrome (CS). Also called: Cowden's disease; Cowden's syndrome; Cowden disease. Identifiers: Orphanet 201, MedGen C0018553, MONDO:0016063. Disease mechanism: gain of function.

Allele frequency attached by ClinVar (database versions not stated): gnomAD exomes below 0.00001.
gnomAD v4.1: 1 of 1,581,222 alleles (0.000063%); no homozygotes.

Submission:

Labcorp Genetics (formerly Invitae), Labcorp
Classification: Uncertain significance for Cowden syndrome. Last evaluated: 2018-11-18. Review status: criteria provided, single submitter. Criteria: Invitae Variant Classification Sherloc (09022015). Collection method: clinical testing. Allele origin: germline.
Comment: In summary, the available evidence is currently insufficient to determine the role of this variant in disease. Therefore, it has been classified as a Variant of Uncertain Significance. Algorithms developed to predict the effect of missense changes on protein structure and function are either unavailable or do not agree on the potential impact of this missense change (SIFT: "Deleterious"; PolyPhen-2: "Probably Damaging"; Align-GVGD: "Class C0"). This variant has not been reported in the literature in individuals with PIK3CA-related disease. This variant is not present in population databases (ExAC no frequency). This sequence change replaces histidine with tyrosine at codon 14 of the PIK3CA protein (p.His14Tyr). The histidine residue is highly conserved and there is a moderate physicochemical difference between histidine and tyrosine.